The following is an entry in ClinVar:

NM_007194.4(CHEK2):c.319+179A>G

Gene: CHEK2 (checkpoint kinase 2; minus strand). Cytogenetic location: 22q12.1.
Variant type: single nucleotide variant.
Coding change: c.319+179A>G on transcript NM_007194.4 (MANE Select); 179 bases into the intron after coding-DNA position 319, A replaced by G.
Molecular consequence: intron variant.
Genome position (GRCh38, 1-based): chr22:28,734,224, T>C on the plus strand (A>G on the coding strand, the complement: CHEK2 is on the minus strand). VCF-style: chr22-28734224-T-C. GRCh37 (hg19) VCF-style: chr22-29130212-T-C.
Other names: c.-345+7545A>G (NM_001437942.1); c.319+179A>G (NM_001349956.3, NM_145862.3, NM_001438295.1 and 3 more transcripts); c.-459+179A>G (NM_001257387.3).
Identifiers: ClinVar variation 682844 (VCV000682844.1), dbSNP rs144682905, ClinGen allele CA322998460.

ClinVar aggregate classification (germline): Likely benign (1 of 4 stars; one submission).

Allele frequency attached by ClinVar (database versions not stated): 1000 Genomes Project 0.00679; 1000 Genomes Project 30x 0.00750; gnomAD 0.00755 and 0.00818; TOPMed 0.00847.
gnomAD v4.1: 1,136 of 152,334 alleles (0.75%); highest among the groups gnomAD compares: African/African-American, 2.6%; 16 homozygotes.

Submission:

GeneDx
Classification: Likely benign. Last evaluated: 2018-06-18. Review status: criteria provided, single submitter. Criteria: GeneDx Variant Classification (06012015). Collection method: clinical testing. Allele origin: germline. Affected: yes.
Comment: This variant is considered likely benign or benign based on one or more of the following criteria: it is a conservative change, it occurs at a poorly conserved position in the protein, it is predicted to be benign by multiple in silico algorithms, and/or has population frequency not consistent with disease.